The following is an entry in ClinVar:

ClinVar aggregate classification (germline): Uncertain significance (1 of 4 stars; one submission).

Conditions:
Congenital disorder of glycosylation, type IIq. Also called: CDG IIq. Identifiers: Orphanet 435934, MedGen C4479353, MONDO:0054559, OMIM 617395.

gnomAD v4.1: 65 of 1,613,476 alleles (0.004%); highest among the groups gnomAD compares: Admixed American, 0.005%; no homozygotes.

Submission:

Labcorp Genetics (formerly Invitae), Labcorp
Classification: Uncertain significance for Congenital disorder of glycosylation, type IIq. Last evaluated: 2025-08-18. Review status: criteria provided, single submitter. Criteria: Invitae Variant Classification Sherloc (09022015). Collection method: clinical testing. Allele origin: germline.
Comment: This sequence change replaces aspartic acid, which is acidic and polar, with glycine, which is neutral and non-polar, at codon 652 of the COG2 protein (p.Asp652Gly). This variant is present in population databases (rs200365048, gnomAD 0.003%). This variant has not been reported in the literature in individuals affected with COG2-related conditions. ClinVar contains an entry for this variant (Variation ID: 3705275). Invitae Evidence Modeling of protein sequence and biophysical properties (such as structural, functional, and spatial information, amino acid conservation, physicochemical variation, residue mobility, and thermodynamic stability) indicates that this missense variant is expected to disrupt COG2 protein function with a positive predictive value of 80%. In summary, the available evidence is currently insufficient to determine the role of this variant in disease. Therefore, it has been classified as a Variant of Uncertain Significance.

NM_007357.3(COG2):c.1955A>G (p.Asp652Gly)

Gene: COG2 (component of oligomeric golgi complex 2; plus strand). Cytogenetic location: 1q42.2.
Variant type: single nucleotide variant.
Coding change: c.1955A>G on transcript NM_007357.3 (MANE Select); coding-DNA position 1955, A replaced by G.
Protein change: p.Asp652Gly; replaces aspartic acid 652 with glycine.
Molecular consequence: missense variant.
Genome position (GRCh38, 1-based): chr1:230,691,404, A>G. VCF-style: chr1-230691404-A-G. GRCh37 (hg19) VCF-style: chr1-230827150-A-G.
Other names: c.1952A>G, p.Asp651Gly (NM_001145036.2); short protein forms D651G, D652G.
Identifiers: ClinVar variation 3705275 (VCV003705275.2).